The following is an entry in ClinVar:

ClinVar aggregate classification (germline): Uncertain significance (1 of 4 stars; one submission).

Conditions:
Inborn genetic diseases. Identifiers: MedGen C0950123, MeSH D030342.

Allele frequency attached by ClinVar (database versions not stated): gnomAD exomes below 0.00001.

Submission:

Ambry Genetics
Classification: Uncertain significance for Inborn genetic diseases. Last evaluated: 2021-09-05. Review status: criteria provided, single submitter. Criteria: Ambry Variant Classification Scheme 2023. Collection method: clinical testing. Allele origin: germline.
Comment: The p.T25S variant (also known as c.73A>T), located in coding exon 1 of the ACD gene, results from an A to T substitution at nucleotide position 73. The threonine at codon 25 is replaced by serine, an amino acid with similar properties. This amino acid position is conserved. In addition, this alteration is predicted to be tolerated by in silico analysis. Since supporting evidence is limited at this time, the clinical significance of this alteration remains unclear.

NM_001082486.1(ACD):c.73A>T (p.Thr25Ser)

Genes: ACD (ACD shelterin complex subunit and telomerase recruitment factor; minus strand), LOC130059224 (ATAC-STARR-seq lymphoblastoid silent region 7617; plus strand). Cytogenetic location: 16q22.1.
Variant type: single nucleotide variant.
Coding change: c.73A>T on transcript NM_001082486.1; coding-DNA position 73, A replaced by T.
Protein change: p.Thr25Ser; replaces threonine 25 with serine.
Genome position (GRCh38, 1-based): chr16:67,660,406, T>A on the plus strand (A>T on the coding strand, the complement: ACD is on the minus strand). VCF-style: chr16-67660406-T-A. GRCh37 (hg19) VCF-style: chr16-67694309-T-A.
Other names: short protein forms T25S.
Identifiers: ClinVar variation 1758712 (VCV001758712.2), dbSNP rs2543613298, ClinGen allele CA396359945.
Genomic context (GRCh38, chr16:67,660,406, plus strand): 5'-CACCCCGCGCCTGCGCACGAGGGCGTCCTGCTCGGGGGCCTGTGTGCAGACTCCCGCTGG[T>A]CCACCCCGCTGGTGCACGGGATGCTGGCCCGTTTACTCTCATCGCGGCGTCACTCTGACA-3'